The following is an entry in ClinVar:

NM_001009944.3(PKD1):c.9157G>C (p.Ala3053Pro)

Gene: PKD1 (polycystin 1, transient receptor potential channel interacting; minus strand). Cytogenetic location: 16p13.3.
Variant type: single nucleotide variant.
Coding change: c.9157G>C on transcript NM_001009944.3 (MANE Select); coding-DNA position 9157, G replaced by C.
Protein change: p.Ala3053Pro; replaces alanine 3053 with proline.
Molecular consequence: missense variant.
Genome position (GRCh38, 1-based): chr16:2,102,425, C>G on the plus strand (G>C on the coding strand, the complement: PKD1 is on the minus strand). VCF-style: chr16-2102425-C-G. GRCh37 (hg19) VCF-style: chr16-2152426-C-G.
Other names: c.9157G>C, p.Ala3053Pro (NM_000296.4); short protein forms A3053P.
Identifiers: ClinVar variation 4887096 (VCV004887096.1).

ClinVar aggregate classification (germline): Uncertain significance (1 of 4 stars; one submission).

Submission:

Women's Health and Genetics/Laboratory Corporation of America, LabCorp
Classification: Uncertain significance. Last evaluated: 2026-07-02. Review status: criteria provided, single submitter. Criteria: LabCorp Variant Classification Summary - May 2015. Collection method: clinical testing. Allele origin: germline.
Comment: Variant summary: PKD1 c.9157G>C (p.Ala3053Pro) results in a non-conservative amino acid change in the encoded protein sequence. Algorithms developed to predict the effect of missense changes on protein structure and function all suggest that this variant is likely to be disruptive. The frequency data for this variant in gnomAD is considered unreliable, as metrics indicate poor data quality at this position. To our knowledge, no occurrence of c.9157G>C in individuals affected with PKD1-related conditions and no experimental evidence demonstrating its impact on protein function have been reported. No submitters have cited clinical-significance assessments for this variant to ClinVar. Based on the evidence outlined above, the variant was classified as uncertain significance.